The following is an entry in ClinVar:

NM_013296.5(GPSM2):c.1670G>A (p.Arg557His)

Gene: GPSM2 (G protein signaling modulator 2; plus strand). Cytogenetic location: 1p13.3.
Variant type: single nucleotide variant.
Coding change: c.1670G>A on transcript NM_013296.5 (MANE Select); coding-DNA position 1670, G replaced by A.
Protein change: p.Arg557His; replaces arginine 557 with histidine.
Molecular consequence: missense variant.
Genome position (GRCh38, 1-based): chr1:108,924,069, G>A. VCF-style: chr1-108924069-G-A. GRCh37 (hg19) VCF-style: chr1-109466691-G-A.
Other names: c.1670G>A, p.Arg557His (NM_001321038.2, NM_001321039.3); short protein forms R557H.
Identifiers: ClinVar variation 228730 (VCV000228730.8), dbSNP rs148266178, ClinGen allele CA983150.

ClinVar aggregate classification (germline): Uncertain significance. Review status: criteria provided, multiple submitters, no conflicts (2 of 4 stars). 3 submissions from 3 submitters: Uncertain significance (3). Last evaluated 2025-11-13.

Conditions:
Inborn genetic diseases. Identifiers: MedGen C0950123, MeSH D030342.

Allele frequency attached by ClinVar (database versions not stated): ExAC 0.00007; gnomAD exomes 0.00009 and 0.00010; gnomAD 0.00011 and 0.00013; 1000 Genomes Project 30x 0.00031; TOPMed 0.00011; ESP Exome Variant Server 0.00015; 1000 Genomes Project 0.00040.
gnomAD v4.1: 169 of 1,613,406 alleles (0.01%); highest among the groups gnomAD compares: East Asian, 0.029%; no homozygotes.

Submissions (3):

GeneDx
Classification: Uncertain significance. Last evaluated: 2025-11-13. Review status: criteria provided, single submitter. Criteria: GeneDx Variant Classification Process June 2021. Collection method: clinical testing. Allele origin: germline. Affected: yes.
Comment: In silico analysis supports that this missense variant has a deleterious effect on protein structure/function; Has not been previously published as pathogenic or benign to our knowledge

Ambry Genetics
Classification: Uncertain significance for Inborn genetic diseases. Last evaluated: 2024-05-01. Review status: criteria provided, single submitter. Criteria: Ambry Variant Classification Scheme 2023. Collection method: clinical testing. Allele origin: germline.

Laboratory for Molecular Medicine, Mass General Brigham Personalized Medicine
Classification: Uncertain significance. Last evaluated: 2015-02-19. Review status: criteria provided, single submitter. Criteria: LMM Criteria. Collection method: clinical testing. Allele origin: germline. Observed: 1 variant allele.
Comment: The p.Arg557His variant in GPSM2 has not been previously reported in individuals with hearing loss, but has been identified in 4/16506 East Asian chromosomes an d 2/10372 African chromosomes by the Exome Aggregation Consortium (ExAC; dbSNP rs148266178). Computational prediction tools and conservation analyses suggest that the variant may impact the protein, though th is information is not predictive enough to determine pathogenicity. In summary, the clinical significance of the p.Arg557His variant is uncertain.